The following is an entry in ClinVar:

ClinVar aggregate classification (germline): Uncertain significance. Review status: criteria provided, multiple submitters, no conflicts (2 of 4 stars). 2 submissions from 2 submitters: Uncertain significance (2). Last evaluated 2025-04-13.

Conditions:
RASopathy. Also called: Noonan spectrum disorder; rasopathies. Identifiers: Orphanet 536391, MedGen C5555857, MONDO:0021060.
Cardiovascular phenotype. Identifiers: MedGen CN230736.

gnomAD v4.1: 1 of 1,613,460 alleles (0.000062%); highest among the groups gnomAD compares: African/African-American, 0.0013%; no homozygotes.

Submissions (2):

Ambry Genetics
Classification: Uncertain significance for Cardiovascular phenotype. Last evaluated: 2025-04-13. Review status: criteria provided, single submitter. Criteria: Ambry Variant Classification Scheme 2023. Collection method: clinical testing. Allele origin: germline.
Comment: The p.N495K variant (also known as c.1485T>A), located in coding exon 7 of the SHOC2 gene, results from a T to A substitution at nucleotide position 1485. The asparagine at codon 495 is replaced by lysine, an amino acid with similar properties. This amino acid position is conserved. In addition, this alteration is predicted to be tolerated by in silico analysis. Based on the available evidence, the clinical significance of this variant remains unclear.

Labcorp Genetics (formerly Invitae), Labcorp
Classification: Uncertain significance for RASopathy. Last evaluated: 2024-10-10. Review status: criteria provided, single submitter. Criteria: Invitae Variant Classification Sherloc (09022015). Collection method: clinical testing. Allele origin: germline.
Comment: This sequence change replaces asparagine, which is neutral and polar, with lysine, which is basic and polar, at codon 495 of the SHOC2 protein (p.Asn495Lys). This variant is not present in population databases (gnomAD no frequency). This variant has not been reported in the literature in individuals affected with SHOC2-related conditions. Invitae Evidence Modeling of protein sequence and biophysical properties (such as structural, functional, and spatial information, amino acid conservation, physicochemical variation, residue mobility, and thermodynamic stability) indicates that this missense variant is not expected to disrupt SHOC2 protein function with a negative predictive value of 80%. In summary, the available evidence is currently insufficient to determine the role of this variant in disease. Therefore, it has been classified as a Variant of Uncertain Significance.

NM_007373.4(SHOC2):c.1485T>A (p.Asn495Lys)

Gene: SHOC2 (SHOC2 leucine rich repeat scaffold protein; plus strand). Cytogenetic location: 10q25.2.
Variant type: single nucleotide variant.
Coding change: c.1485T>A on transcript NM_007373.4 (MANE Select); coding-DNA position 1485, T replaced by A.
Protein change: p.Asn495Lys; replaces asparagine 495 with lysine.
Molecular consequence: missense variant. On other transcripts: non-coding transcript variant (1).
Genome position (GRCh38, 1-based): chr10:111,009,775, T>A. VCF-style: chr10-111009775-T-A. GRCh37 (hg19) VCF-style: chr10-112769533-T-A.
Other names: c.1347T>A, p.Asn449Lys (NM_001269039.3); c.1485T>A, p.Asn495Lys (NM_001324336.2, NM_001324337.2); short protein forms N449K, N495K.
Identifiers: ClinVar variation 3666091 (VCV003666091.3).